The following is an entry in ClinVar:

ClinVar aggregate classification (germline): Uncertain significance. Review status: criteria provided, multiple submitters, no conflicts (2 of 4 stars). 2 submissions from 2 submitters: Uncertain significance (2). Last evaluated 2025-07-13.

Conditions:
Inborn genetic diseases. Identifiers: MedGen C0950123, MeSH D030342.

Allele frequency attached by ClinVar (database versions not stated): gnomAD exomes 0.00003; gnomAD 0.00005; ExAC 0.00006; TOPMed 0.00006.

Submissions (2):

Labcorp Genetics (formerly Invitae), Labcorp
Classification: Uncertain significance. Last evaluated: 2025-07-13. Review status: criteria provided, single submitter. Criteria: Invitae Variant Classification Sherloc (09022015). Collection method: clinical testing. Allele origin: germline.
Comment: This sequence change replaces valine, which is neutral and non-polar, with isoleucine, which is neutral and non-polar, at codon 228 of the KRT12 protein (p.Val228Ile). This variant is present in population databases (rs770184655, gnomAD 0.02%). This variant has not been reported in the literature in individuals affected with KRT12-related conditions. ClinVar contains an entry for this variant (Variation ID: 3116321). Invitae Evidence Modeling of protein sequence and biophysical properties (such as structural, functional, and spatial information, amino acid conservation, physicochemical variation, residue mobility, and thermodynamic stability) has been performed for this missense variant. However, the output from this modeling did not meet the statistical confidence thresholds required to predict the impact of this variant on KRT12 protein function. In summary, the available evidence is currently insufficient to determine the role of this variant in disease. Therefore, it has been classified as a Variant of Uncertain Significance.

Ambry Genetics
Classification: Uncertain significance for Inborn genetic diseases. Last evaluated: 2024-01-03. Review status: criteria provided, single submitter. Criteria: Ambry Variant Classification Scheme 2023. Collection method: clinical testing. Allele origin: germline.

NM_000223.4(KRT12):c.682G>A (p.Val228Ile)

Gene: KRT12 (keratin 12; minus strand). Cytogenetic location: 17q21.2.
Variant type: single nucleotide variant.
Coding change: c.682G>A on transcript NM_000223.4 (MANE Select); coding-DNA position 682, G replaced by A.
Protein change: p.Val228Ile; replaces valine 228 with isoleucine.
Molecular consequence: missense variant.
Genome position (GRCh38, 1-based): chr17:40,864,931, C>T on the plus strand (G>A on the coding strand, the complement: KRT12 is on the minus strand). VCF-style: chr17-40864931-C-T. GRCh37 (hg19) VCF-style: chr17-39021183-C-T.
Other names: short protein forms V228I.
Identifiers: ClinVar variation 3116321 (VCV003116321.2), dbSNP rs770184655, ClinGen allele CA8548809.